The following is an entry in ClinVar:

ClinVar aggregate classification (germline): Uncertain significance (1 of 4 stars; one submission).

Conditions:
Sphingolipid activator protein 1 deficiency. Also called: Saposin B Deficiency; Metachromatic leukodystrophy due to saposin B deficiency; METACHROMATIC LEUKODYSTROPHY DUE TO CEREBROSIDE SULFATASE ACTIVATOR DEFICIENCY. Identifiers: Orphanet 512, MedGen C0268262, MONDO:0009590, OMIM 249900.

gnomAD v4.1: 22 of 1,613,934 alleles (0.0014%); highest among the groups gnomAD compares: Non-Finnish European, 0.0019%; no homozygotes.

Submissions (2):

Labcorp Genetics (formerly Invitae), Labcorp
Classification: Uncertain significance for Sphingolipid activator protein 1 deficiency. Last evaluated: 2024-09-09. Review status: criteria provided, single submitter. Criteria: Invitae Variant Classification Sherloc (09022015). Collection method: clinical testing. Allele origin: germline.
Comment: This sequence change replaces isoleucine, which is neutral and non-polar, with arginine, which is basic and polar, at codon 65 of the PSAP protein (p.Ile65Arg). This variant is present in population databases (rs372262659, gnomAD 0.002%). This variant has not been reported in the literature in individuals affected with PSAP-related conditions. ClinVar contains an entry for this variant (Variation ID: 2075281). Invitae Evidence Modeling of protein sequence and biophysical properties (such as structural, functional, and spatial information, amino acid conservation, physicochemical variation, residue mobility, and thermodynamic stability) indicates that this missense variant is expected to disrupt PSAP protein function with a positive predictive value of 80%. In summary, the available evidence is currently insufficient to determine the role of this variant in disease. Therefore, it has been classified as a Variant of Uncertain Significance.

Dr. Peter K. Rogan Lab, Western University
No classification provided (evidence only). Condition: Ovarian serous cystadenocarcinoma. Review status: no classification provided. Collection method: in vitro. Allele origin: not applicable. Functional consequence: retained intron. Not counted in ClinVar's aggregate classification.

NM_002778.4(PSAP):c.194T>G (p.Ile65Arg)

Gene: PSAP (prosaposin; minus strand). Cytogenetic location: 10q22.1.
Variant type: single nucleotide variant.
Coding change: c.194T>G on transcript NM_002778.4 (MANE Select); coding-DNA position 194, T replaced by G.
Protein change: p.Ile65Arg; replaces isoleucine 65 with arginine.
Molecular consequence: missense variant.
Genome position (GRCh38, 1-based): chr10:71,831,901, A>C on the plus strand (T>G on the coding strand, the complement: PSAP is on the minus strand). VCF-style: chr10-71831901-A-C. GRCh37 (hg19) VCF-style: chr10-73591658-A-C.
Other names: c.194T>G, p.Ile65Arg (NM_001042465.3, NM_001042466.3); short protein forms I65R.
Identifiers: ClinVar variation 2075281 (VCV002075281.4), dbSNP rs372262659, ClinGen allele CA5547851.
Genomic context (GRCh38, chr10:71,831,901, plus strand): 5'-CTCACCTCAGTGGCATTGTCCTTCAGCATATCACCAGCTGCGGTGACAACGTCTTTGCAT[A>C]TGTCGCAGGGAAGGGATTTCTAAGAGAAAGAATACGAGAAATTTGTATTTGCAGGACACA-3'
Protein context (NP_002769.1, residues 55-75): KPTVKSLPCD[Ile65Arg]CKDVVTAAGD